The following is an entry in ClinVar:

ClinVar aggregate classification (germline): Uncertain significance (1 of 4 stars; one submission).

gnomAD v4.1: 1 of 1,614,004 alleles (0.000062%); highest among the groups gnomAD compares: Non-Finnish European, 0.000085%; no homozygotes.

Submission:

Labcorp Genetics (formerly Invitae), Labcorp
Classification: Uncertain significance. Last evaluated: 2022-01-11. Review status: criteria provided, single submitter. Criteria: Invitae Variant Classification Sherloc (09022015). Collection method: clinical testing. Allele origin: germline.
Comment: This variant is not present in population databases (gnomAD no frequency). This sequence change replaces serine, which is neutral and polar, with isoleucine, which is neutral and non-polar, at codon 2987 of the HERC1 protein (p.Ser2987Ile). This variant has not been reported in the literature in individuals affected with HERC1-related conditions. In summary, the available evidence is currently insufficient to determine the role of this variant in disease. Therefore, it has been classified as a Variant of Uncertain Significance. Algorithms developed to predict the effect of missense changes on protein structure and function (SIFT, PolyPhen-2, Align-GVGD) all suggest that this variant is likely to be disruptive.

NM_003922.4(HERC1):c.8960G>T (p.Ser2987Ile)

Gene: HERC1 (HECT and RLD domain containing E3 ubiquitin protein ligase family member 1; minus strand). Cytogenetic location: 15q22.31.
Variant type: single nucleotide variant.
Coding change: c.8960G>T on transcript NM_003922.4 (MANE Select); coding-DNA position 8960, G replaced by T.
Protein change: p.Ser2987Ile; replaces serine 2987 with isoleucine.
Molecular consequence: missense variant.
Genome position (GRCh38, 1-based): chr15:63,661,963, C>A on the plus strand (G>T on the coding strand, the complement: HERC1 is on the minus strand). VCF-style: chr15-63661963-C-A. GRCh37 (hg19) VCF-style: chr15-63954162-C-A.
Other names: short protein forms S2987I.
Identifiers: ClinVar variation 2079704 (VCV002079704.4), dbSNP rs562007788, ClinGen allele CA392761948.